The following is an entry in ClinVar:

ClinVar aggregate classification (germline): Uncertain significance (1 of 4 stars; one submission).

Conditions:
Cardiovascular phenotype. Identifiers: MedGen CN230736.

Allele frequency attached by ClinVar (database versions not stated): gnomAD exomes below 0.00001; gnomAD 0.00001; TOPMed 0.00001.
gnomAD v4.1: 3 of 1,207,845 alleles (0.00025%); highest among the groups gnomAD compares: Non-Finnish European, 0.00034%; no homozygotes.

Submission:

Ambry Genetics
Classification: Uncertain significance for Cardiovascular phenotype. Last evaluated: 2024-01-05. Review status: criteria provided, single submitter. Criteria: Ambry Variant Classification Scheme 2023. Collection method: clinical testing. Allele origin: germline.
Comment: The p.T233I variant (also known as c.698C>T), located in coding exon 8 of the DMD gene, results from a C to T substitution at nucleotide position 698. The threonine at codon 233 is replaced by isoleucine, an amino acid with similar properties. This amino acid position is highly conserved in available vertebrate species. In addition, this alteration is predicted to be deleterious by in silico analysis. Since supporting evidence is limited at this time, the clinical significance of this alteration remains unclear.

NM_004006.3(DMD):c.698C>T (p.Thr233Ile)

Gene: DMD (dystrophin; minus strand). Cytogenetic location: Xp21.1.
Variant type: single nucleotide variant.
Coding change: c.698C>T on transcript NM_004006.3 (MANE Select); coding-DNA position 698, C replaced by T.
Protein change: p.Thr233Ile; replaces threonine 233 with isoleucine.
Molecular consequence: missense variant.
Genome position (GRCh38, 1-based): chrX:32,699,245, G>A on the plus strand (C>T on the coding strand, the complement: DMD is on the minus strand). VCF-style: chrX-32699245-G-A. GRCh37 (hg19) VCF-style: chrX-32717362-G-A.
Other names: c.674C>T, p.Thr225Ile (NM_000109.4); c.686C>T, p.Thr229Ile (NM_004009.3); c.329C>T, p.Thr110Ile (NM_004010.3); short protein forms T110I, T225I, T229I, T233I.
Identifiers: ClinVar variation 3223662 (VCV003223662.1), dbSNP rs1343163306, ClinGen allele CA412669080.